The following is an entry in ClinVar:

ClinVar aggregate classification (germline): Uncertain significance (1 of 4 stars; one submission).

Allele frequency attached by ClinVar (database versions not stated): gnomAD exomes below 0.00001.
gnomAD v4.1: 2 of 1,613,448 alleles (0.00012%); highest among the groups gnomAD compares: South Asian, 0.0022%; no homozygotes.

Submission:

Labcorp Genetics (formerly Invitae), Labcorp
Classification: Uncertain significance. Last evaluated: 2022-08-09. Review status: criteria provided, single submitter. Criteria: Invitae Variant Classification Sherloc (09022015). Collection method: clinical testing. Allele origin: germline.
Comment: In summary, the available evidence is currently insufficient to determine the role of this variant in disease. Therefore, it has been classified as a Variant of Uncertain Significance. Advanced modeling of protein sequence and biophysical properties (such as structural, functional, and spatial information, amino acid conservation, physicochemical variation, residue mobility, and thermodynamic stability) performed at Invitae indicates that this missense variant is not expected to disrupt COL11A1 protein function. ClinVar contains an entry for this variant (Variation ID: 1372648). This variant has not been reported in the literature in individuals affected with COL11A1-related conditions. This variant is not present in population databases (gnomAD no frequency). This sequence change replaces lysine, which is basic and polar, with arginine, which is basic and polar, at codon 184 of the COL11A1 protein (p.Lys184Arg).

NM_001854.4(COL11A1):c.551A>G (p.Lys184Arg)

Gene: COL11A1 (collagen type XI alpha 1 chain; minus strand). Cytogenetic location: 1p21.1.
Variant type: single nucleotide variant.
Coding change: c.551A>G on transcript NM_001854.4 (MANE Select); coding-DNA position 551, A replaced by G.
Protein change: p.Lys184Arg; replaces lysine 184 with arginine.
Molecular consequence: missense variant. On other transcripts: non-coding transcript variant (1).
Genome position (GRCh38, 1-based): chr1:103,074,718, T>C on the plus strand (A>G on the coding strand, the complement: COL11A1 is on the minus strand). VCF-style: chr1-103074718-T-C. GRCh37 (hg19) VCF-style: chr1-103540274-T-C.
Other names: c.551A>G, p.Lys184Arg (NM_001190709.2, NM_080629.3, NM_080630.4); short protein forms K184R.
Identifiers: ClinVar variation 1372648 (VCV001372648.6), dbSNP rs2102281739, ClinGen allele CA341166403.